The following is an entry in ClinVar:

NM_000717.5(CA4):c.415-1G>A

Gene: CA4 (carbonic anhydrase 4; plus strand). Cytogenetic location: 17q23.1.
Variant type: single nucleotide variant.
Coding change: c.415-1G>A on transcript NM_000717.5 (MANE Select); the canonical splice acceptor site of the intron before coding-DNA position 415, G replaced by A.
Molecular consequence: splice acceptor variant.
Genome position (GRCh38, 1-based): chr17:60,157,689, G>A. VCF-style: chr17-60157689-G-A. GRCh37 (hg19) VCF-style: chr17-58235050-G-A.
Identifiers: ClinVar variation 2127685 (VCV002127685.4), dbSNP rs2083714751, ClinGen allele CA400455830.

ClinVar aggregate classification (germline): Likely pathogenic (1 of 4 stars; one submission).

Allele frequency attached by ClinVar (database versions not stated): gnomAD exomes below 0.00001.
gnomAD v4.1: 1 of 1,613,784 alleles (0.000062%); highest among the groups gnomAD compares: Non-Finnish European, 0.000085%; no homozygotes.

Submission:

Labcorp Genetics (formerly Invitae), Labcorp
Classification: Likely pathogenic. Last evaluated: 2025-05-19. Review status: criteria provided, single submitter. Criteria: Invitae Variant Classification Sherloc (09022015). Collection method: clinical testing. Allele origin: germline.
Comment: This sequence change affects an acceptor splice site in intron 4 of the CA4 gene. It is expected to disrupt RNA splicing. Variants that disrupt the donor or acceptor splice site typically lead to a loss of protein function (PMID: 16199547), and loss-of-function variants in CA4 are known to be pathogenic (PMID: 33090715). This variant is not present in population databases (gnomAD no frequency). This variant has not been reported in the literature in individuals affected with CA4-related conditions. ClinVar contains an entry for this variant (Variation ID: 2127685). Algorithms developed to predict the effect of sequence changes on RNA splicing suggest that this variant may disrupt the consensus splice site. In summary, the currently available evidence indicates that the variant is pathogenic, but additional data are needed to prove that conclusively. Therefore, this variant has been classified as Likely Pathogenic.

Literature cited by the submitters: PubMed 16199547; PubMed 33090715.